The following is an entry in ClinVar:

NM_000047.3(ARSL):c.1009_1010del (p.Leu337fs)

Gene: ARSL (arylsulfatase L; minus strand). Cytogenetic location: Xp22.33.
Variant type: Deletion.
Coding change: c.1009_1010del on transcript NM_000047.3 (MANE Select); coding-DNA positions 1009 to 1010, 2 bases deleted (TT; older notation c.1009_1010delTT).
Protein change: p.Leu337fs; shifts the reading frame from leucine 337.
Molecular consequence: frameshift variant.
Genome position (GRCh38, 1-based): chrX:2,943,181-2,943,182, AA deleted on the plus strand (TT on the coding strand, the reverse complement: ARSL is on the minus strand); deleting any 2 consecutive bases within chrX:2,943,181-2,943,183 gives the same sequence; the c. name uses the placement nearest the transcript's 3' end. VCF-style (leftmost placement, unchanged base first): chrX-2943180-CAA-C. GRCh37 (hg19) VCF-style: chrX-2861221-CAA-C.
Other names: c.1084_1085del, p.Leu362fs (NM_001282628.2, NM_001369080.1); c.847_848del, p.Leu283fs (NM_001282631.2); c.1036_1037del, p.Leu346fs (NM_001369079.1); short protein forms L283fs, L337fs, L346fs, L362fs.
Identifiers: ClinVar variation 1809739 (VCV001809739.1), dbSNP rs2518334157, ClinGen allele CA2580100344.

ClinVar aggregate classification (germline): Pathogenic (1 of 4 stars; one submission).

Submission:

Athena Diagnostics
Classification: Pathogenic. Last evaluated: 2020-12-04. Review status: criteria provided, single submitter. Criteria: Athena Diagnostics Criteria. Collection method: clinical testing. Allele origin: unknown.
Comment: This variant is expected to result in the loss of a functional protein. This variant has been identified in at least one individual tested at Athena Diagnostics with clinical features associated with this gene. This variant has not been reported in large, multi-ethnic general populations.This observation is not an independent occurrence and has been identified in the same individual by RCIGM, the other laboratory participating in the GEMINI study.